The following is an entry in ClinVar:

ClinVar aggregate classification (germline): Uncertain significance (1 of 4 stars; one submission).

Submission:

Labcorp Genetics (formerly Invitae), Labcorp
Classification: Uncertain significance. Last evaluated: 2023-01-01. Review status: criteria provided, single submitter. Criteria: Invitae Variant Classification Sherloc (09022015). Collection method: clinical testing. Allele origin: germline.
Comment: This sequence change replaces proline, which is neutral and non-polar, with serine, which is neutral and polar, at codon 824 of the ZNF469 protein (p.Pro824Ser). This variant is not present in population databases (gnomAD no frequency). This variant has not been reported in the literature in individuals affected with ZNF469-related conditions. Algorithms developed to predict the effect of missense changes on protein structure and function output the following: SIFT: "Tolerated"; PolyPhen-2: "Probably Damaging"; Align-GVGD: "Class C0". The serine amino acid residue is found in multiple mammalian species, which suggests that this missense change does not adversely affect protein function. In summary, the available evidence is currently insufficient to determine the role of this variant in disease. Therefore, it has been classified as a Variant of Uncertain Significance.

NM_001367624.2(ZNF469):c.2470C>T (p.Pro824Ser)

Gene: ZNF469 (zinc finger protein 469; plus strand). Cytogenetic location: 16q24.2.
Variant type: single nucleotide variant.
Coding change: c.2470C>T on transcript NM_001367624.2 (MANE Select); coding-DNA position 2470, C replaced by T.
Protein change: p.Pro824Ser; replaces proline 824 with serine.
Molecular consequence: missense variant.
Genome position (GRCh38, 1-based): chr16:88,429,940, C>T. VCF-style: chr16-88429940-C-T. GRCh37 (hg19) VCF-style: chr16-88496348-C-T.
Other names: short protein forms P824S.
Identifiers: ClinVar variation 2825789 (VCV002825789.3), dbSNP rs1415150537, ClinGen allele CA397072315.